The following is an entry in ClinVar:

NM_000543.5(SMPD1):c.76G>A (p.Gly26Arg)

Genes: SMPD1 (sphingomyelin phosphodiesterase 1; plus strand), LOC130005193 (ATAC-STARR-seq lymphoblastoid silent region 3099; plus strand). Cytogenetic location: 11p15.4.
Variant type: single nucleotide variant.
Coding change: c.76G>A on transcript NM_000543.5 (MANE Select); coding-DNA position 76, G replaced by A.
Protein change: p.Gly26Arg; replaces glycine 26 with arginine.
Molecular consequence: missense variant. On other transcripts: 5 prime UTR variant (1), non-coding transcript variant (2).
Genome position (GRCh38, 1-based): chr11:6,390,674, G>A. VCF-style: chr11-6390674-G-A. GRCh37 (hg19) VCF-style: chr11-6411904-G-A.
Other names: p.Gly26Arg; c.76G>A, p.Gly26Arg (NM_001007593.3, NM_001318087.2, NM_001365135.2); c.-886G>A (NM_001318088.2); short protein forms G26R.
Identifiers: ClinVar variation 1760211 (VCV001760211.4), dbSNP rs766822201, ClinGen allele CA5852465.

ClinVar aggregate classification (germline): Uncertain significance. Review status: criteria provided, multiple submitters, no conflicts (2 of 4 stars). 2 submissions from 2 submitters: Uncertain significance (2). Last evaluated 2024-08-14.

Conditions:
Inborn genetic diseases. Identifiers: MedGen C0950123, MeSH D030342.

Allele frequency attached by ClinVar (database versions not stated): ExAC 0.00001; TOPMed 0.00004; gnomAD 0.00005; gnomAD exomes 0.00010.
gnomAD v4.1: 155 of 1,612,988 alleles (0.0096%); highest among the groups gnomAD compares: Non-Finnish European, 0.012%; no homozygotes.

Submissions (2):

Ambry Genetics
Classification: Uncertain significance for Inborn genetic diseases. Last evaluated: 2024-08-14. Review status: criteria provided, single submitter. Criteria: Ambry Variant Classification Scheme 2023. Collection method: clinical testing. Allele origin: germline.

Mayo Clinic Laboratories, Mayo Clinic
Classification: Uncertain significance. Last evaluated: 2022-11-28. Review status: criteria provided, single submitter. Criteria: ACMG Guidelines, 2015. Collection method: clinical testing. Allele origin: germline. Observed: 1 variant allele.
Comment: BP4, PM2